The following is an entry in ClinVar:

ClinVar aggregate classification (germline): Uncertain significance (1 of 4 stars; one submission).

Allele frequency attached by ClinVar (database versions not stated): TOPMed 0.00002.
gnomAD v4.1: 5 of 1,129,574 alleles (0.00044%); highest among the groups gnomAD compares: African/African-American, 0.0018%; no homozygotes.

Submission:

GeneDx
Classification: Uncertain significance. Last evaluated: 2023-06-06. Review status: criteria provided, single submitter. Criteria: GeneDx Variant Classification Process June 2021. Collection method: clinical testing. Allele origin: germline. Affected: yes.
Comment: Not observed at significant frequency in large population cohorts (gnomAD); In silico analysis supports that this missense variant does not alter protein structure/function; Has not been previously published as pathogenic or benign to our knowledge

NM_005334.3(HCFC1):c.4969G>A (p.Glu1657Lys)

Gene: HCFC1 (host cell factor C1; minus strand). Cytogenetic location: Xq28.
Variant type: single nucleotide variant.
Coding change: c.4969G>A on transcript NM_005334.3 (MANE Select); coding-DNA position 4969, G replaced by A.
Protein change: p.Glu1657Lys; replaces glutamic acid 1657 with lysine.
Molecular consequence: missense variant.
Genome position (GRCh38, 1-based): chrX:153,952,132, C>T on the plus strand (G>A on the coding strand, the complement: HCFC1 is on the minus strand). VCF-style: chrX-153952132-C-T. GRCh37 (hg19) VCF-style: chrX-153217583-C-T.
Other names: short protein forms E1657K.
Identifiers: ClinVar variation 429938 (VCV000429938.3), dbSNP rs868930050, ClinGen allele CA415108586.
Genomic context (GRCh38, chrX:153,952,132, plus strand): 5'-CCTCCTGACCCTCGGCCGACAGGTGCCCCAGCTCCGCCTGAGTCACGGTTGCTGCTGCCT[C>T]GGAGGTGTCCATGGGCTCGCCGGTGCCTGCTCCAGGGTCGAGAGAAACACTACTTACTAG-3'
Protein context (NP_005325.2, residues 1647-1667): MGTGEPMDTS[Glu1657Lys]AAATVTQAEL